The following is an entry in ClinVar:

ClinVar aggregate classification (germline): Pathogenic/Likely pathogenic. Review status: criteria provided, multiple submitters, no conflicts (2 of 4 stars). 3 submissions from 3 submitters: Pathogenic (1); Likely pathogenic (1). 1 of the submissions does not count toward it. Last evaluated 2024-02-27.

Conditions:
LAMB3-related disorder. Also called: LAMB3-related condition.
Junctional epidermolysis bullosa gravis of Herlitz. Also called: JEB-HERLITZ TYPE; EPIDERMOLYSIS BULLOSA, JUNCTIONAL 1B, SEVERE; EPIDERMOLYSIS BULLOSA JUNCTIONALIS, HERLITZ TYPE; EPIDERMOLYSIS BULLOSA, JUNCTIONAL, HERLITZ-PEARSON TYPE; Epidermolysis Bullosa Letalis; Herlitz-type junctional epidermolysis bullosa. Identifiers: Orphanet 79404, MedGen C0079683, MONDO:0009182, OMIM 226700.
Junctional epidermolysis bullosa, non-Herlitz type. Also called: EPIDERMOLYSIS BULLOSA, JUNCTIONAL 1A, INTERMEDIATE; EPIDERMOLYSIS BULLOSA JUNCTIONALIS, DISENTIS TYPE; EPIDERMOLYSIS BULLOSA JUNCTIONALIS, NON-HERLITZ TYPE; EPIDERMOLYSIS BULLOSA JUNCTIONALIS, PROGRESSIVE; EPIDERMOLYSIS BULLOSA JUNCTIONALIS, SEVERE NONLETHAL; COL17A1-Related Junctional Epidermolysis Bullosa. Identifiers: Orphanet 251393, Orphanet 79402, Orphanet 79405, Orphanet 89840, MedGen C0268374, MONDO:0009180, OMIM 226650.
Amelogenesis imperfecta type 1A. Also called: AMELOGENESIS IMPERFECTA, HYPOPLASTIC TYPE IA; Amelogenesis imperfecta, type IA; Amelogenesis imperfecta local hypoplastic; Amelogenesis imperfecta, hypoplastic type. Identifiers: Orphanet 88661, MedGen C4011403, MONDO:0007094, OMIM 104530.

Submissions (3):

Fulgent Genetics
Classification: Likely pathogenic for Amelogenesis imperfecta type 1A; Junctional epidermolysis bullosa, non-Herlitz type; Junctional epidermolysis bullosa gravis of Herlitz. Last evaluated: 2024-02-27. Review status: criteria provided, single submitter. Criteria: ACMG Guidelines, 2015. Collection method: clinical testing. Allele origin: germline.

Blueprint Genetics
Classification: Pathogenic for LAMB3-related disorders. Last evaluated: 2019-08-21. Review status: criteria provided, single submitter. Criteria: ACMG Guidelines, 2015. Collection method: clinical testing. Allele origin: germline. Affected: yes. Observed: 1 variant allele.

Leeds Amelogenesis Imperfecta Research Group, University of Leeds
Classification: Pathogenic for Amelogenesis imperfecta type 1A. Last evaluated: 2017-03-01. Review status: no assertion criteria provided. Collection method: research. Allele origin: germline. Inheritance: Autosomal dominant inheritance. Affected: yes. Observed: 8 variant alleles, 8 heterozygotes. Clinical features observed: Amelogenesis imperfecta. Not counted in ClinVar's aggregate classification.
Comment: The c.3383-1G>A (NM_000228.2) variant affects the G of the conserved AG splice acceptor. Investigation of splicing by RT-PCR found that the variant leads to inclusion of intron 22 in the transcript, which is predicted to escape nonsense mediated decay and when translated is predicted to lead to the production of a premature termination codon p.(D1128Gfs*6) (NP_000219.2).

NM_000228.3(LAMB3):c.3383-1G>A

Gene: LAMB3 (laminin subunit beta 3; minus strand). Cytogenetic location: 1q32.2.
Variant type: single nucleotide variant.
Coding change: c.3383-1G>A on transcript NM_000228.3 (MANE Select); the canonical splice acceptor site of the intron before coding-DNA position 3383, G replaced by A.
Molecular consequence: splice acceptor variant.
Genome position (GRCh38, 1-based): chr1:209,615,408, C>T on the plus strand (G>A on the coding strand, the complement: LAMB3 is on the minus strand). VCF-style: chr1-209615408-C-T. GRCh37 (hg19) VCF-style: chr1-209788753-C-T.
Other names: c.3383-1G>A (NM_001127641.1, NM_001017402.2).
Identifiers: ClinVar variation 393553 (VCV000393553.5), dbSNP rs1553275070, ClinGen allele CA344581377.